The following is an entry in ClinVar:

NM_018136.5(ASPM):c.4624A>G (p.Ile1542Val)

Gene: ASPM (assembly factor for spindle microtubules; minus strand). Cytogenetic location: 1q31.3.
Variant type: single nucleotide variant.
Coding change: c.4624A>G on transcript NM_018136.5 (MANE Select); coding-DNA position 4624, A replaced by G.
Protein change: p.Ile1542Val; replaces isoleucine 1542 with valine.
Molecular consequence: missense variant. On other transcripts: intron variant (1).
Genome position (GRCh38, 1-based): chr1:197,104,627, T>C on the plus strand (A>G on the coding strand, the complement: ASPM is on the minus strand). VCF-style: chr1-197104627-T-C. GRCh37 (hg19) VCF-style: chr1-197073757-T-C.
Other names: c.4066-8463A>G (NM_001206846.2); short protein forms I1542V.
Identifiers: ClinVar variation 2284518 (VCV002284518.4), dbSNP rs143052642, ClinGen allele CA1309895.

ClinVar aggregate classification (germline): Uncertain significance. Review status: criteria provided, multiple submitters, no conflicts (2 of 4 stars). 3 submissions from 3 submitters: Uncertain significance (3). Last evaluated 2024-08-05.

Conditions:
Inborn genetic diseases. Identifiers: MedGen C0950123, MeSH D030342.

Allele frequency attached by ClinVar (database versions not stated): ExAC 0.00005; ESP Exome Variant Server 0.00008; gnomAD 0.00011; TOPMed 0.00014.
gnomAD v4.1: 24 of 1,612,956 alleles (0.0015%); highest among the groups gnomAD compares: African/African-American, 0.027%; no homozygotes.

Submissions (3):

GeneDx
Classification: Uncertain significance. Last evaluated: 2024-08-05. Review status: criteria provided, single submitter. Criteria: GeneDx Variant Classification Process June 2021. Collection method: clinical testing. Allele origin: germline. Affected: yes.
Comment: In silico analysis indicates that this missense variant does not alter protein structure/function; This variant is associated with the following publications: (PMID: 35982159, 33057194)

Labcorp Genetics (formerly Invitae), Labcorp
Classification: Uncertain significance. Last evaluated: 2024-01-25. Review status: criteria provided, single submitter. Criteria: Invitae Variant Classification Sherloc (09022015). Collection method: clinical testing. Allele origin: germline.
Comment: This sequence change replaces isoleucine, which is neutral and non-polar, with valine, which is neutral and non-polar, at codon 1542 of the ASPM protein (p.Ile1542Val). This variant is present in population databases (rs143052642, gnomAD 0.04%). This variant has not been reported in the literature in individuals affected with ASPM-related conditions. ClinVar contains an entry for this variant (Variation ID: 2284518). Advanced modeling of protein sequence and biophysical properties (such as structural, functional, and spatial information, amino acid conservation, physicochemical variation, residue mobility, and thermodynamic stability) performed at Invitae indicates that this missense variant is not expected to disrupt ASPM protein function with a negative predictive value of 80%. In summary, the available evidence is currently insufficient to determine the role of this variant in disease. Therefore, it has been classified as a Variant of Uncertain Significance.

Ambry Genetics
Classification: Uncertain significance for Inborn genetic diseases. Last evaluated: 2022-04-21. Review status: criteria provided, single submitter. Criteria: Ambry Variant Classification Scheme 2023. Collection method: clinical testing. Allele origin: germline.